The following is an entry in ClinVar:

ClinVar aggregate classification (germline): Uncertain significance. Review status: criteria provided, multiple submitters, no conflicts (2 of 4 stars). 4 submissions from 4 submitters: Uncertain significance (3). 1 of the submissions does not count toward it. Last evaluated 2024-06-16.

Conditions:
NARS2-related disorder. Also called: NARS2-related condition.
Combined oxidative phosphorylation defect type 24. Also called: Combined oxidative phosphorylation deficiency 24. Identifiers: Orphanet 444458, MedGen C4015643, MONDO:0014547, OMIM 616239.
Hearing loss, autosomal recessive 94. Also called: Deafness, autosomal recessive 94. Identifiers: MedGen C5193096, MONDO:0032749, OMIM 618434.
Inborn genetic diseases. Identifiers: MedGen C0950123, MeSH D030342.

Allele frequency attached by ClinVar (database versions not stated): gnomAD 0.00002; TOPMed 0.00007.
gnomAD v4.1: 41 of 1,594,332 alleles (0.0026%); highest among the groups gnomAD compares: Admixed American, 0.069%; no homozygotes.

Submissions (4):

Fulgent Genetics
Classification: Uncertain significance for Combined oxidative phosphorylation defect type 24; Hearing loss, autosomal recessive 94. Last evaluated: 2024-06-16. Review status: criteria provided, single submitter. Criteria: ACMG Guidelines, 2015. Collection method: clinical testing. Allele origin: germline.

Labcorp Genetics (formerly Invitae), Labcorp
Classification: Uncertain significance. Last evaluated: 2022-07-21. Review status: criteria provided, single submitter. Criteria: Invitae Variant Classification Sherloc (09022015). Collection method: clinical testing. Allele origin: germline.
Comment: This sequence change falls in intron 6 of the NARS2 gene. It does not directly change the encoded amino acid sequence of the NARS2 protein. It affects a nucleotide within the consensus splice site. This variant is present in population databases (rs747028018, gnomAD 0.1%). This variant has not been reported in the literature in individuals affected with NARS2-related conditions. ClinVar contains an entry for this variant (Variation ID: 1511898). Variants that disrupt the consensus splice site are a relatively common cause of aberrant splicing (PMID: 17576681, 9536098). Algorithms developed to predict the effect of sequence changes on RNA splicing suggest that this variant is not likely to affect RNA splicing. In summary, the available evidence is currently insufficient to determine the role of this variant in disease. Therefore, it has been classified as a Variant of Uncertain Significance.

Ambry Genetics
Classification: Uncertain significance for Inborn genetic diseases. Last evaluated: 2021-10-01. Review status: criteria provided, single submitter. Criteria: Ambry Variant Classification Scheme 2023. Collection method: clinical testing. Allele origin: germline.
Comment: The c.689+6A>G intronic alteration consists of a A to G substitution nucleotides after coding exon 6 in the NARS2 gene. Based on insufficient or conflicting evidence, the clinical significance of this alteration remains unclear.

PreventionGenetics, part of Exact Sciences
Classification: Likely benign for NARS2-related condition. Last evaluated: 2019-10-01. Review status: no assertion criteria provided. Collection method: clinical testing. Allele origin: germline. Not counted in ClinVar's aggregate classification.
Comment: This variant is classified as likely benign based on ACMG/AMP sequence variant interpretation guidelines (Richards et al. 2015 PMID: 25741868, with internal and published modifications).

Literature cited by the submitters: PubMed 17576681 (cited by Labcorp Genetics (formerly Invitae), Labcorp); PubMed 9536098 (cited by Labcorp Genetics (formerly Invitae), Labcorp).

NM_024678.6(NARS2):c.689+6A>G

Gene: NARS2 (asparaginyl-tRNA synthetase 2, mitochondrial; minus strand). Cytogenetic location: 11q14.1.
Variant type: single nucleotide variant.
Coding change: c.689+6A>G on transcript NM_024678.6 (MANE Select); 6 bases into the intron after coding-DNA position 689, A replaced by G.
Molecular consequence: intron variant.
Genome position (GRCh38, 1-based): chr11:78,528,836, T>C on the plus strand (A>G on the coding strand, the complement: NARS2 is on the minus strand). VCF-style: chr11-78528836-T-C. GRCh37 (hg19) VCF-style: chr11-78239882-T-C.
Other names: c.8+6A>G (NM_001243251.2); c.689+6A>G (NM_024678.5).
Identifiers: ClinVar variation 1511898 (VCV001511898.9), dbSNP rs747028018, ClinGen allele CA6205757.